The following is an entry in ClinVar:

ClinVar aggregate classification (germline): Uncertain significance (1 of 4 stars; one submission).

Submission:

Labcorp Genetics (formerly Invitae), Labcorp
Classification: Uncertain significance. Last evaluated: 2021-11-18. Review status: criteria provided, single submitter. Criteria: Invitae Variant Classification Sherloc (09022015). Collection method: clinical testing. Allele origin: germline.
Comment: In summary, the available evidence is currently insufficient to determine the role of this variant in disease. Therefore, it has been classified as a Variant of Uncertain Significance. Algorithms developed to predict the effect of missense changes on protein structure and function are either unavailable or do not agree on the potential impact of this missense change (SIFT: "Not Available"; PolyPhen-2: "Possibly Damaging"; Align-GVGD: "Not Available"). This variant has not been reported in the literature in individuals affected with VPS13D-related conditions. This variant is not present in population databases (gnomAD no frequency). This sequence change replaces proline, which is neutral and non-polar, with serine, which is neutral and polar, at codon 2565 of the VPS13D protein (p.Pro2565Ser).

NM_015378.4(VPS13D):c.7693C>T (p.Pro2565Ser)

Gene: VPS13D (vacuolar protein sorting 13 homolog D; plus strand). Cytogenetic location: 1p36.22.
Variant type: single nucleotide variant.
Coding change: c.7693C>T on transcript NM_015378.4 (MANE Select); coding-DNA position 7693, C replaced by T.
Protein change: p.Pro2565Ser; replaces proline 2565 with serine.
Molecular consequence: missense variant.
Genome position (GRCh38, 1-based): chr1:12,321,953, C>T. VCF-style: chr1-12321953-C-T. GRCh37 (hg19) VCF-style: chr1-12382010-C-T.
Other names: c.7693C>T, p.Pro2565Ser (NM_018156.4); short protein forms P2565S.
Identifiers: ClinVar variation 1403068 (VCV001403068.6), dbSNP rs1162216590, ClinGen allele CA338482185.